The following is an entry in ClinVar:

NM_000368.5(TSC1):c.1628T>C (p.Leu543Pro)

Gene: TSC1 (TSC complex subunit 1; minus strand). Cytogenetic location: 9q34.13.
Variant type: single nucleotide variant.
Coding change: c.1628T>C on transcript NM_000368.5 (MANE Select); coding-DNA position 1628, T replaced by C.
Protein change: p.Leu543Pro; replaces leucine 543 with proline.
Molecular consequence: missense variant.
Genome position (GRCh38, 1-based): chr9:132,905,950, A>G on the plus strand (T>C on the coding strand, the complement: TSC1 is on the minus strand). VCF-style: chr9-132905950-A-G. GRCh37 (hg19) VCF-style: chr9-135781337-A-G.
Other names: c.1625T>C, p.Leu542Pro (NM_001162426.2); c.1475T>C, p.Leu492Pro (NM_001162427.2); c.1265T>C, p.Leu422Pro (NM_001362177.2); short protein forms L543P, L422P, L492P, L542P.
Identifiers: ClinVar variation 645978 (VCV000645978.15), dbSNP rs1588310271, ClinGen allele CA375364597.

ClinVar aggregate classification (germline): Conflicting classifications of pathogenicity. Review status: criteria provided, conflicting classifications (1 of 4 stars). 4 submissions from 4 submitters: Uncertain significance (3); Likely benign (1). Last evaluated 2026-06-22.

Conditions:
Tuberous sclerosis 1 (TSC1). Identifiers: Orphanet 805, MedGen C1854465, MONDO:0008612, OMIM 191100.
Hereditary cancer-predisposing syndrome. Also called: Neoplastic Syndromes, Hereditary; Hereditary Cancer Syndrome; Hereditary neoplastic syndrome; Tumor predisposition. Identifiers: Orphanet 140162, MedGen C0027672, MeSH D009386, MONDO:0015356.

Allele frequency attached by ClinVar (database versions not stated): gnomAD exomes below 0.00001.
gnomAD v4.1: 7 of 1,614,050 alleles (0.00043%); highest among the groups gnomAD compares: East Asian, 0.011%; no homozygotes.

Submissions (4):

Ambry Genetics
Classification: Likely benign for Hereditary cancer-predisposing syndrome. Last evaluated: 2026-06-22. Review status: criteria provided, single submitter. Criteria: Ambry Variant Classification Scheme 2023. Collection method: clinical testing. Allele origin: germline.

Labcorp Genetics (formerly Invitae), Labcorp
Classification: Uncertain significance for Tuberous sclerosis 1. Last evaluated: 2022-10-05. Review status: criteria provided, single submitter. Criteria: Invitae Variant Classification Sherloc (09022015). Collection method: clinical testing. Allele origin: germline.
Comment: This sequence change replaces leucine, which is neutral and non-polar, with proline, which is neutral and non-polar, at codon 543 of the TSC1 protein (p.Leu543Pro). This variant is not present in population databases (gnomAD no frequency). This variant has not been reported in the literature in individuals affected with TSC1-related conditions. ClinVar contains an entry for this variant (Variation ID: 645978). Advanced modeling of protein sequence and biophysical properties (such as structural, functional, and spatial information, amino acid conservation, physicochemical variation, residue mobility, and thermodynamic stability) performed at Invitae indicates that this missense variant is not expected to disrupt TSC1 protein function. In summary, the available evidence is currently insufficient to determine the role of this variant in disease. Therefore, it has been classified as a Variant of Uncertain Significance.

Genome-Nilou Lab
Classification: Uncertain significance for Tuberous sclerosis 1. Last evaluated: 2021-11-07. Review status: criteria provided, single submitter. Criteria: ACMG Guidelines, 2015. Collection method: clinical testing. Allele origin: germline. Affected: no.

Division of Genomic Medicine, Department of Advanced Medicine, Medical Research Institute, Kanazawa Medical University
Classification: Uncertain significance for Tuberous sclerosis 1. Last evaluated: 2020-07-10. Review status: criteria provided, single submitter. Criteria: ACMG Guidelines, 2015. Collection method: clinical testing. Allele origin: germline. Affected: yes. Observed: 1 variant allele.